The following is an entry in ClinVar:

ClinVar aggregate classification (germline): Pathogenic/Likely pathogenic. Review status: criteria provided, multiple submitters, no conflicts (2 of 4 stars). 3 submissions from 3 submitters: Pathogenic (2); Likely pathogenic (1). Last evaluated 2024-09-18.

Conditions:
Spastic paraplegia. Identifiers: MedGen C0037772, HP:0001258.

Submissions (3):

Labcorp Genetics (formerly Invitae), Labcorp
Classification: Pathogenic for Spastic paraplegia. Last evaluated: 2024-09-18. Review status: criteria provided, single submitter. Criteria: Invitae Variant Classification Sherloc (09022015). Collection method: clinical testing. Allele origin: germline.
Comment: This sequence change creates a premature translational stop signal (p.Leu448Profs*31) in the ZFYVE26 gene. It is expected to result in an absent or disrupted protein product. Loss-of-function variants in ZFYVE26 are known to be pathogenic (PMID: 18394578, 19805727). This variant is present in population databases (no rsID available, gnomAD 0.007%). This variant has not been reported in the literature in individuals affected with ZFYVE26-related conditions. ClinVar contains an entry for this variant (Variation ID: 986841). For these reasons, this variant has been classified as Pathogenic.

Institute of Medical Genetics and Applied Genomics, University Hospital Tübingen
Classification: Pathogenic. Last evaluated: 2020-10-23. Review status: criteria provided, single submitter. Criteria: ACMG Guidelines, 2015. Collection method: clinical testing. Allele origin: germline. Inheritance: Unknown mechanism. Affected: yes.

Mayo Clinic Laboratories, Mayo Clinic
Classification: Likely pathogenic. Last evaluated: 2019-10-14. Review status: criteria provided, single submitter. Criteria: ACMG Guidelines, 2015. Collection method: clinical testing. Allele origin: germline.
Comment: PVS1, PM2

Literature cited by the submitters: PubMed 18394578 (cited by Labcorp Genetics (formerly Invitae), Labcorp); PubMed 19805727 (cited by Labcorp Genetics (formerly Invitae), Labcorp).

NM_015346.4(ZFYVE26):c.1343_1344del (p.Leu448fs)

Gene: ZFYVE26 (zinc finger FYVE-type containing 26; minus strand). Cytogenetic location: 14q24.1.
Variant type: Microsatellite.
Coding change: c.1343_1344del on transcript NM_015346.4 (MANE Select); coding-DNA positions 1343 to 1344, 2 bases deleted (TC; older notation c.1343_1344delTC).
Protein change: p.Leu448fs; shifts the reading frame from leucine 448.
Molecular consequence: frameshift variant.
Genome position (GRCh38, 1-based): chr14:67,804,192-67,804,193, GA deleted on the plus strand (TC on the coding strand, the reverse complement: ZFYVE26 is on the minus strand); deleting any 2 consecutive bases within chr14:67,804,192-67,804,196 gives the same sequence; the c. name uses the placement nearest the transcript's 3' end. VCF-style (leftmost placement, unchanged base first): chr14-67804191-GGA-G. GRCh37 (hg19) VCF-style: chr14-68270908-GGA-G.
Other names: short protein forms L448fs.
Identifiers: ClinVar variation 986841 (VCV000986841.13), dbSNP rs1190463308, ClinGen allele CA615188713.
Genomic context (GRCh38, chr14:67,804,191, plus strand): 5'-CTTTCTGTAAGAGCTTGAGAACATCTTCCTCCCTGAGGGCTGGAAGGTTTGTAAGGTGAT[GGA>G]GAGTGTAGAGCACTGAGTGGCTGTCTCCACCGTGTAAATGATACAACAGATCTCTCTTTG-3'